The following is an entry in ClinVar:

NM_000418.4(IL4R):c.1242G>T (p.Leu414=)

Gene: IL4R (interleukin 4 receptor; plus strand). Cytogenetic location: 16p12.1.
Variant type: single nucleotide variant.
Coding change: c.1242G>T on transcript NM_000418.4 (MANE Select); coding-DNA position 1242, G replaced by T.
Protein change: p.Leu414=; no amino-acid change (leucine 414 retained).
Molecular consequence: synonymous variant.
Genome position (GRCh38, 1-based): chr16:27,362,594, G>T. VCF-style: chr16-27362594-G-T. GRCh37 (hg19) VCF-style: chr16-27373915-G-T.
Other names: c.1242G>T, p.Leu414= (NM_001257406.2); c.1197G>T, p.Leu399= (NM_001257407.2); c.762G>T, p.Leu254= (NM_001257997.2).
Identifiers: ClinVar variation 3056799 (VCV003056799.2), dbSNP rs2234898, ClinGen allele CA7974521.

ClinVar aggregate classification (germline): Benign (0 of 4 stars; one submission).

Conditions:
IL4R-related disorder. Also called: IL4R-related condition.

Allele frequency attached by ClinVar (database versions not stated): gnomAD exomes 0.12174; ExAC 0.13908; gnomAD 0.23049; 1000 Genomes Project 0.23562; 1000 Genomes Project 30x 0.24438; TOPMed 0.24745; ESP Exome Variant Server 0.25089.
gnomAD v4.1: 213,384 of 1,613,786 alleles (13%); highest among the groups gnomAD compares: African/African-American, 54%; 21,381 homozygotes.

Submission:

PreventionGenetics, part of Exact Sciences
Classification: Benign for IL4R-related condition. Last evaluated: 2019-10-28. Review status: no assertion criteria provided. Collection method: clinical testing. Allele origin: germline.
Comment: This variant is classified as benign based on ACMG/AMP sequence variant interpretation guidelines (Richards et al. 2015 PMID: 25741868, with internal and published modifications).